The following is an entry in ClinVar:

ClinVar aggregate classification (germline): Benign. Review status: criteria provided, multiple submitters, no conflicts (2 of 4 stars). 3 submissions from 3 submitters: Benign (3). Last evaluated 2026-01-05.

Allele frequency attached by ClinVar (database versions not stated): ESP Exome Variant Server 0.00008; gnomAD exomes 0.00104 and 0.00338; gnomAD 0.00116 and 0.00153; TOPMed 0.00192; ExAC 0.00329; 1000 Genomes Project 30x 0.00687; 1000 Genomes Project 0.00779.
gnomAD v4.1: 1,810 of 1,613,826 alleles (0.11%); highest among the groups gnomAD compares: East Asian, 3.5%; 37 homozygotes.

Submissions (3):

Labcorp Genetics (formerly Invitae), Labcorp
Classification: Benign. Last evaluated: 2026-01-05. Review status: criteria provided, single submitter. Criteria: Invitae Variant Classification Sherloc (09022015). Collection method: clinical testing. Allele origin: germline.

GeneDx
Classification: Benign. Last evaluated: 2018-06-12. Review status: criteria provided, single submitter. Criteria: GeneDx Variant Classification (06012015). Collection method: clinical testing. Allele origin: germline. Affected: yes.
Comment: This variant is considered likely benign or benign based on one or more of the following criteria: it is a conservative change, it occurs at a poorly conserved position in the protein, it is predicted to be benign by multiple in silico algorithms, and/or has population frequency not consistent with disease.

Breakthrough Genomics
Classification: Benign. Review status: criteria provided, single submitter. Criteria: ACMG Guidelines, 2015. Collection method: not provided. Allele origin: germline. Inheritance: Autosomal dominant inheritance. Affected: yes.

NM_004526.4(MCM2):c.1999G>A (p.Val667Met)

Gene: MCM2 (minichromosome maintenance complex component 2; plus strand). Cytogenetic location: 3q21.3.
Variant type: single nucleotide variant.
Coding change: c.1999G>A on transcript NM_004526.4 (MANE Select); coding-DNA position 1999, G replaced by A.
Protein change: p.Val667Met; replaces valine 667 with methionine.
Molecular consequence: missense variant. On other transcripts: non-coding transcript variant (1).
Genome position (GRCh38, 1-based): chr3:127,618,067, G>A. VCF-style: chr3-127618067-G-A. GRCh37 (hg19) VCF-style: chr3-127336910-G-A.
Other names: short protein forms V667M.
Identifiers: ClinVar variation 683349 (VCV000683349.11), dbSNP rs2307311, ClinGen allele CA2596079.